The following is an entry in ClinVar:

ClinVar aggregate classification (germline): Uncertain significance (1 of 4 stars; one submission).

Conditions:
Inborn genetic diseases. Identifiers: MedGen C0950123, MeSH D030342.

gnomAD v4.1: 1 of 1,536,742 alleles (0.000065%); highest among the groups gnomAD compares: Non-Finnish European, 0.000088%; no homozygotes.

Submission:

Ambry Genetics
Classification: Uncertain significance for Inborn genetic diseases. Last evaluated: 2021-02-23. Review status: criteria provided, single submitter. Criteria: Ambry Variant Classification Scheme 2023. Collection method: clinical testing. Allele origin: germline.
Comment: The c.3417G>C (p.K1139N) alteration is located in exon 20 (coding exon 20) of the CACNA1A gene. This alteration results from a G to C substitution at nucleotide position 3417, causing the lysine (K) at amino acid position 1139 to be replaced by an asparagine (N). The p.K1139N alteration is predicted to be tolerated by in silico analysis. Based on insufficient or conflicting evidence, the clinical significance of this alteration remains unclear.

NM_001127222.2(CACNA1A):c.3414G>C (p.Lys1138Asn)

Gene: CACNA1A (calcium voltage-gated channel subunit alpha1 A; minus strand). Cytogenetic location: 19p13.13.
Variant type: single nucleotide variant.
Coding change: c.3414G>C on transcript NM_001127222.2 (MANE Select); coding-DNA position 3414, G replaced by C.
Protein change: p.Lys1138Asn; replaces lysine 1138 with asparagine.
Molecular consequence: missense variant.
Genome position (GRCh38, 1-based): chr19:13,286,642, C>G on the plus strand (G>C on the coding strand, the complement: CACNA1A is on the minus strand). VCF-style: chr19-13286642-C-G. GRCh37 (hg19) VCF-style: chr19-13397456-C-G.
Other names: c.3426G>C, p.Lys1142Asn (NM_000068.4, NM_023035.3); c.3417G>C, p.Lys1139Asn (NM_001127221.2, NM_001174080.2); short protein forms K1138N, K1142N, K1139N.
Identifiers: ClinVar variation 2229296 (VCV002229296.2), dbSNP rs1600245661, ClinGen allele CA404341424.